The following is an entry in ClinVar:

ClinVar aggregate classification (germline): Likely benign (0 of 4 stars; one submission).

Conditions:
PTPRS-related disorder. Also called: PTPRS-related condition.

Allele frequency attached by ClinVar (database versions not stated): gnomAD exomes 0.00030; ExAC 0.00099; gnomAD 0.00154; ESP Exome Variant Server 0.00166; TOPMed 0.00175; 1000 Genomes Project 0.00180; 1000 Genomes Project 30x 0.00219.
gnomAD v4.1: 711 of 1,568,992 alleles (0.045%); highest among the groups gnomAD compares: African/African-American, 0.47%; 1 homozygote.

Submission:

PreventionGenetics, part of Exact Sciences
Classification: Likely benign for PTPRS-related condition. Last evaluated: 2019-02-21. Review status: no assertion criteria provided. Collection method: clinical testing. Allele origin: germline.
Comment: This variant is classified as likely benign based on ACMG/AMP sequence variant interpretation guidelines (Richards et al. 2015 PMID: 25741868, with internal and published modifications).

NM_002850.4(PTPRS):c.3103+7G>A

Gene: PTPRS (protein tyrosine phosphatase receptor type S; minus strand). Cytogenetic location: 19p13.3.
Variant type: single nucleotide variant.
Coding change: c.3103+7G>A on transcript NM_002850.4 (MANE Select); 7 bases into the intron after coding-DNA position 3103, G replaced by A.
Molecular consequence: intron variant.
Genome position (GRCh38, 1-based): chr19:5,222,682, C>T on the plus strand (G>A on the coding strand, the complement: PTPRS is on the minus strand). VCF-style: chr19-5222682-C-T. GRCh37 (hg19) VCF-style: chr19-5222693-C-T.
Other names: c.1811-462G>A (NM_130853.3); c.3037+7G>A (NM_001394013.1, NM_130854.3, NM_001394011.1); c.3064+7G>A (NM_001394012.1); c.1823-462G>A (NM_130855.3).
Identifiers: ClinVar variation 3041978 (VCV003041978.2), dbSNP rs200423333, ClinGen allele CA9109718.